The following is an entry in ClinVar:

NM_004168.4(SDHA):c.1598A>C (p.Gln533Pro)

Gene: SDHA (succinate dehydrogenase complex flavoprotein subunit A; plus strand). Cytogenetic location: 5p15.33.
Variant type: single nucleotide variant.
Coding change: c.1598A>C on transcript NM_004168.4 (MANE Select); coding-DNA position 1598, A replaced by C.
Protein change: p.Gln533Pro; replaces glutamine 533 with proline.
Molecular consequence: missense variant. On other transcripts: intron variant (1).
Genome position (GRCh38, 1-based): chr5:251,038, A>C. VCF-style: chr5-251038-A-C. GRCh37 (hg19) VCF-style: chr5-251153-A-C.
Other names: c.1454A>C, p.Gln485Pro (NM_001294332.2); c.1552-3355A>C (NM_001330758.2); short protein forms Q533P, Q485P.
Identifiers: ClinVar variation 1039097 (VCV001039097.9), dbSNP rs1395387473, ClinGen allele CA358998501.
Genomic context (GRCh38, chr5:251,038, plus strand): 5'-ATTTTGTGCCACAGTCAATGCAAAATCATGCTGCCGTGTTCCGTGTGGGAAGCGTGTTGC[A>C]AGAAGGTTGTGGGAAAATCAGCAAGCTCTATGGAGACCTAAAGCACCTGAAGACGTTCGA-3'
Protein context (NP_004159.2, residues 523-543): AAVFRVGSVL[Gln533Pro]EGCGKISKLY

ClinVar aggregate classification (germline): Uncertain significance (1 of 4 stars; one submission).

Conditions:
Mitochondrial complex II deficiency, nuclear type 1. Also called: SUCCINATE CoQ REDUCTASE DEFICIENCY. Identifiers: Orphanet 3208, MedGen C5700310, MONDO:0100294, OMIM 252011.
Pheochromocytoma/paraganglioma syndrome 5. Also called: Paragangliomas 5; SDHA-Related Hereditary Paraganglioma-Pheochromocytoma Syndrome. Identifiers: Orphanet 29072, MedGen C3279992, MONDO:0013602, OMIM 614165.

Allele frequency attached by ClinVar (database versions not stated): gnomAD exomes below 0.00001.
gnomAD v4.1: 1 of 1,612,020 alleles (0.000062%); highest among the groups gnomAD compares: East Asian, 0.0022%; no homozygotes.

Submission:

Labcorp Genetics (formerly Invitae), Labcorp
Classification: Uncertain significance for Pheochromocytoma/paraganglioma syndrome 5; Mitochondrial complex II deficiency, nuclear type 1. Last evaluated: 2022-06-13. Review status: criteria provided, single submitter. Criteria: Invitae Variant Classification Sherloc (09022015). Collection method: clinical testing. Allele origin: germline.
Comment: This variant has not been reported in the literature in individuals affected with SDHA-related conditions. In summary, the available evidence is currently insufficient to determine the role of this variant in disease. Therefore, it has been classified as a Variant of Uncertain Significance. Advanced modeling of protein sequence and biophysical properties (such as structural, functional, and spatial information, amino acid conservation, physicochemical variation, residue mobility, and thermodynamic stability) performed at Invitae indicates that this missense variant is not expected to disrupt SDHA protein function. ClinVar contains an entry for this variant (Variation ID: 1039097). This variant is present in population databases (no rsID available, gnomAD 0.006%). This sequence change replaces glutamine, which is neutral and polar, with proline, which is neutral and non-polar, at codon 533 of the SDHA protein (p.Gln533Pro).